The following is an entry in ClinVar:

NM_001371928.1(AHDC1):c.633C>T (p.Gly211=)

Gene: AHDC1 (AT-hook DNA binding motif containing 1; minus strand). Cytogenetic location: 1p36.11.
Variant type: single nucleotide variant.
Coding change: c.633C>T on transcript NM_001371928.1 (MANE Select); coding-DNA position 633, C replaced by T.
Protein change: p.Gly211=; no amino-acid change (glycine 211 retained).
Molecular consequence: synonymous variant.
Genome position (GRCh38, 1-based): chr1:27,551,483, G>A on the plus strand (C>T on the coding strand, the complement: AHDC1 is on the minus strand). VCF-style: chr1-27551483-G-A. GRCh37 (hg19) VCF-style: chr1-27877994-G-A.
Other names: c.633C>T, p.Gly211= (NM_001029882.3).
Identifiers: ClinVar variation 2905453 (VCV002905453.25), dbSNP rs150860912, ClinGen allele CA716115.

ClinVar aggregate classification (germline): Likely benign. Review status: criteria provided, multiple submitters, no conflicts (2 of 4 stars). 2 submissions from 2 submitters: Likely benign (2). Last evaluated 2025-05-01.

Allele frequency attached by ClinVar (database versions not stated): gnomAD 0.00002; ExAC 0.00003; TOPMed 0.00005; ESP Exome Variant Server 0.00008.
gnomAD v4.1: 177 of 1,608,272 alleles (0.011%); highest among the groups gnomAD compares: Non-Finnish European, 0.014%; no homozygotes.

Submissions (2):

Labcorp Genetics (formerly Invitae), Labcorp
Classification: Likely benign. Last evaluated: 2025-05-01. Review status: criteria provided, single submitter. Criteria: Invitae Variant Classification Sherloc (09022015). Collection method: clinical testing. Allele origin: germline.

CeGaT Center for Human Genetics Tuebingen
Classification: Likely benign. Last evaluated: 2024-02-01. Review status: criteria provided, single submitter. Criteria: CeGaT Center For Human Genetics Tuebingen Variant Classification Criteria Version 2. Collection method: clinical testing. Allele origin: germline. Affected: yes. Observed: 1 variant allele.
Comment: AHDC1: BP4, BP7